The following is an entry in ClinVar:

NM_000157.4(GBA1):c.385G>A (p.Ala129Thr)

Genes: GBA1 (glucosylceramidase beta 1; minus strand), LOC106627981 (GBA recombination region; plus strand). Cytogenetic location: 1q22.
Variant type: single nucleotide variant.
Coding change: c.385G>A on transcript NM_000157.4 (MANE Select); coding-DNA position 385, G replaced by A.
Protein change: p.Ala129Thr; replaces alanine 129 with threonine.
Molecular consequence: missense variant. On other transcripts: intron variant (1).
Genome position (GRCh38, 1-based): chr1:155,239,685, C>T on the plus strand (G>A on the coding strand, the complement: GBA1 is on the minus strand). VCF-style: chr1-155239685-C-T. GRCh37 (hg19) VCF-style: chr1-155209476-C-T.
Other names: c.385G>A, p.Ala129Thr (NM_001005741.3, NM_001005742.3); c.124G>A, p.Ala42Thr (NM_001171811.2); c.307+201G>A (NM_001171812.2); short protein forms A129T, A42T.
Identifiers: ClinVar variation 2506226 (VCV002506226.1), dbSNP rs1671971599, ClinGen allele CA342726101.

ClinVar aggregate classification (germline): Uncertain significance (1 of 4 stars; one submission).

Allele frequency attached by ClinVar (database versions not stated): gnomAD 0.00001.
gnomAD v4.1: 2 of 1,613,994 alleles (0.00012%); highest among the groups gnomAD compares: African/African-American, 0.0013%; no homozygotes.

Submission:

Women's Health and Genetics/Laboratory Corporation of America, LabCorp
Classification: Uncertain significance. Last evaluated: 2023-05-16. Review status: criteria provided, single submitter. Criteria: LabCorp Variant Classification Summary - May 2015. Collection method: clinical testing. Allele origin: germline.
Comment: Variant summary: GBA c.385G>A (p.Ala129Thr) results in a non-conservative amino acid change located in the Glycosyl hydrolase family 30, TIM-barrel domain (IPR033453) of the encoded protein sequence. Three of five in-silico tools predict a damaging effect of the variant on protein function. The variant was absent in 251484 control chromosomes. c.385G>A has been reported in the literature in compound heterozygous individuals affected with Gaucher Disease (Koprivica_2000). These data indicate that the variant may be associated with disease. To our knowledge, no experimental evidence demonstrating an impact on protein function has been reported. The following publication have been ascertained in the context of this evaluation (PMID: 10796875). No clinical diagnostic laboratories have submitted clinical-significance assessments for this variant to ClinVar after 2014. Based on the evidence outlined above, the variant was classified as VUS-possibly pathogenic.

Literature cited by the submitters: PubMed 10796875.